The following is an entry in ClinVar:

NM_014797.3(ZBTB24):c.1205-7C>T

Gene: ZBTB24 (zinc finger and BTB domain containing 24; minus strand). Cytogenetic location: 6q21.
Variant type: single nucleotide variant.
Coding change: c.1205-7C>T on transcript NM_014797.3 (MANE Select); 7 bases into the intron before coding-DNA position 1205, C replaced by T.
Molecular consequence: intron variant.
Genome position (GRCh38, 1-based): chr6:109,475,489, G>A on the plus strand (C>T on the coding strand, the complement: ZBTB24 is on the minus strand). VCF-style: chr6-109475489-G-A. GRCh37 (hg19) VCF-style: chr6-109796692-G-A.
Identifiers: ClinVar variation 1947341 (VCV001947341.2), dbSNP rs755100372, ClinGen allele CA3954140.

ClinVar aggregate classification (germline): Uncertain significance (1 of 4 stars; one submission).

Conditions:
Immunodeficiency-centromeric instability-facial anomalies syndrome 2 (ICF2). Identifiers: Orphanet 2268, MedGen C3279748, MONDO:0013553, OMIM 614069.

Allele frequency attached by ClinVar (database versions not stated): ExAC 0.00002.
gnomAD v4.1: 8 of 1,613,994 alleles (0.0005%); highest among the groups gnomAD compares: South Asian, 0.0011%; no homozygotes.

Submission:

Labcorp Genetics (formerly Invitae), Labcorp
Classification: Uncertain significance for Immunodeficiency-centromeric instability-facial anomalies syndrome 2. Last evaluated: 2022-06-22. Review status: criteria provided, single submitter. Criteria: Invitae Variant Classification Sherloc (09022015). Collection method: clinical testing. Allele origin: germline.
Comment: This sequence change falls in intron 4 of the ZBTB24 gene. It does not directly change the encoded amino acid sequence of the ZBTB24 protein. This variant is present in population databases (rs755100372, gnomAD 0.0009%). This variant has not been reported in the literature in individuals affected with ZBTB24-related conditions. Algorithms developed to predict the effect of sequence changes on RNA splicing suggest that this variant may disrupt the consensus splice site. In summary, the available evidence is currently insufficient to determine the role of this variant in disease. Therefore, it has been classified as a Variant of Uncertain Significance.